The following is an entry in ClinVar:

ClinVar aggregate classification (germline): Likely benign. Review status: criteria provided, multiple submitters, no conflicts (2 of 4 stars). 2 submissions from 2 submitters: Likely benign (2). Last evaluated 2026-03-04.

Conditions:
SC5D-related disorder. Also called: SC5D-related condition.

Allele frequency attached by ClinVar (database versions not stated): ExAC 0.00002; gnomAD 0.00003; TOPMed 0.00007; ESP Exome Variant Server 0.00008.
gnomAD v4.1: 18 of 1,614,038 alleles (0.0011%); highest among the groups gnomAD compares: East Asian, 0.013%; no homozygotes.

Submissions (2):

PreventionGenetics, part of Exact Sciences
Classification: Likely benign for SC5D-related condition. Last evaluated: 2026-03-04. Review status: criteria provided, single submitter. Criteria: ACMG Guidelines, 2015. Collection method: clinical testing. Allele origin: germline.
Comment: This variant is classified as likely benign based on ACMG/AMP sequence variant interpretation guidelines (Richards et al. 2015 PMID: 25741868, with internal and published modifications).

Labcorp Genetics (formerly Invitae), Labcorp
Classification: Likely benign. Last evaluated: 2025-01-23. Review status: criteria provided, single submitter. Criteria: Invitae Variant Classification Sherloc (09022015). Collection method: clinical testing. Allele origin: germline.

NM_006918.5(SC5D):c.663A>T (p.Pro221=)

Gene: SC5D (sterol-C5-desaturase; plus strand). Cytogenetic location: 11q24.1.
Variant type: single nucleotide variant.
Coding change: c.663A>T on transcript NM_006918.5 (MANE Select); coding-DNA position 663, A replaced by T.
Protein change: p.Pro221=; no amino-acid change (proline 221 retained).
Molecular consequence: synonymous variant.
Genome position (GRCh38, 1-based): chr11:121,307,275, A>T. VCF-style: chr11-121307275-A-T. GRCh37 (hg19) VCF-style: chr11-121177984-A-T.
Other names: c.663A>T, p.Pro221= (NM_001024956.3); c.663A>T (NM_006918.4).
Identifiers: ClinVar variation 2142384 (VCV002142384.5), dbSNP rs376514394, ClinGen allele CA6328214.